The following is an entry in ClinVar:

NM_001130009.3(GEN1):c.2602C>G (p.Pro868Ala)

Gene: GEN1 (GEN1 Holliday junction 5' flap endonuclease; plus strand). Cytogenetic location: 2p24.2.
Variant type: single nucleotide variant.
Coding change: c.2602C>G on transcript NM_001130009.3 (MANE Select); coding-DNA position 2602, C replaced by G.
Protein change: p.Pro868Ala; replaces proline 868 with alanine.
Molecular consequence: missense variant.
Genome position (GRCh38, 1-based): chr2:17,781,814, C>G. VCF-style: chr2-17781814-C-G. GRCh37 (hg19) VCF-style: chr2-17963081-C-G.
Other names: c.2602C>G, p.Pro868Ala (NM_182625.5); short protein forms P868A.
Identifiers: ClinVar variation 4029311 (VCV004029311.1).

ClinVar aggregate classification (germline): Uncertain significance (1 of 4 stars; one submission).

Submission:

Ambry Genetics
Classification: Uncertain significance. Last evaluated: 2025-05-19. Review status: criteria provided, single submitter. Criteria: Ambry Variant Classification Scheme 2023. Collection method: clinical testing. Allele origin: germline.
Comment: The p.P868A variant (also known as c.2602C>G), located in coding exon 13 of the GEN1 gene, results from a C to G substitution at nucleotide position 2602. The proline at codon 868 is replaced by alanine, an amino acid with highly similar properties. This amino acid position is conserved. In addition, this alteration is predicted to be tolerated by in silico analysis. Based on the available evidence, the clinical significance of this variant remains unclear.